The following is an entry in ClinVar:

NM_000051.4(ATM):c.1661del (p.Thr554fs)

Gene: ATM (ATM serine/threonine kinase; plus strand). Cytogenetic location: 11q22.3.
Variant type: Deletion.
Coding change: c.1661del on transcript NM_000051.4 (MANE Select); coding-DNA position 1661, one base deleted (C; older notation c.1661delC).
Protein change: p.Thr554fs; shifts the reading frame from threonine 554.
Molecular consequence: frameshift variant.
Genome position (GRCh38, 1-based): chr11:108,251,890, C deleted. VCF-style (leftmost placement, unchanged base first): chr11-108251889-AC-A. GRCh37 (hg19) VCF-style: chr11-108122616-AC-A.
Other names: c.1661delC, p.Thr554Argfs (NM_000051.3); c.1661del, p.Thr554fs (NM_001351834.2); c.1661del (NM_000051.3); short protein forms T554fs.
Identifiers: ClinVar variation 4616962 (VCV004616962.2).

ClinVar aggregate classification (germline): Pathogenic/Likely pathogenic. Review status: criteria provided, multiple submitters, no conflicts (2 of 4 stars). 2 submissions from 2 submitters: Pathogenic (1); Likely pathogenic (1). Last evaluated 2025-10-31.

Conditions:
Ataxia-telangiectasia syndrome (AT). Also called: Cerebello-oculocutaneous telangiectasia; Immunodeficiency with ataxia telangiectasia; Ataxia-telangiectasia, complementation group E; Ataxia telangiectasia (A-T); LOUIS-BAR SYNDROME; Ataxia-telangiectasia, complementation group D. Identifiers: Orphanet 100, MedGen C0004135, MONDO:0008840, OMIM 208900.
Hereditary cancer-predisposing syndrome. Also called: Hereditary neoplastic syndrome; Hereditary Cancer Syndrome; Neoplastic Syndromes, Hereditary; Tumor predisposition. Identifiers: Orphanet 140162, MedGen C0027672, MeSH D009386, MONDO:0015356.

Submissions (2):

Ambry Genetics
Classification: Pathogenic for Hereditary cancer-predisposing syndrome. Last evaluated: 2025-10-31. Review status: criteria provided, single submitter. Criteria: Ambry Variant Classification Scheme 2023. Collection method: clinical testing. Allele origin: germline.
Comment: The c.1661delC pathogenic mutation, located in coding exon 10 of the ATM gene, results from a deletion of one nucleotide at nucleotide position 1661, causing a translational frameshift with a predicted alternate stop codon (p.T554Rfs*2). This variant is considered to be rare based on population cohorts in the Genome Aggregation Database (gnomAD). This alteration is expected to result in loss of function by premature protein truncation or nonsense-mediated mRNA decay. As such, this alteration is interpreted as a disease-causing mutation.

Natera, Inc.
Classification: Likely pathogenic for Ataxia-telangiectasia. Last evaluated: 2024-11-18. Review status: criteria provided, single submitter. Criteria: Natera Variant Classification Schema (03/2026). Collection method: clinical testing. Allele origin: germline.
Comment: The c.1661del variant in ATM is a frameshift variant predicted to shift the reading frame beginning at codon 554 and leads to a stop codon 2 codons downstream. This variant is expected to result in nonsense mediated decay, truncation, or a dysfunctional protein product. This variant is rare in the general population with a frequency below the threshold expected for the associated phenotype(s). Given the available evidence, this variant is classified as Likely Pathogenic.